The following is an entry in ClinVar:

ClinVar aggregate classification (germline): Benign. Review status: criteria provided, multiple submitters, no conflicts (2 of 4 stars). 3 submissions from 3 submitters: Benign (2). 1 of the submissions does not count toward it. Last evaluated 2026-01-28.

Conditions:
STX1B-related disorder. Also called: STX1B-related condition.
Generalized epilepsy with febrile seizures plus, type 9 (GEFSP9). Also called: GEFS+, TYPE 9. Identifiers: Orphanet 36387, MedGen C4015395, MONDO:0014517, OMIM 616172.

Allele frequency attached by ClinVar (database versions not stated): gnomAD exomes 0.00020; ExAC 0.00023; gnomAD 0.00073 and 0.00078; TOPMed 0.00076; ESP Exome Variant Server 0.00092; 1000 Genomes Project 0.00100; 1000 Genomes Project 30x 0.00109.
gnomAD v4.1: 225 of 1,613,828 alleles (0.014%); highest among the groups gnomAD compares: African/African-American, 0.26%; no homozygotes.

Submissions (3):

Labcorp Genetics (formerly Invitae), Labcorp
Classification: Benign for Generalized epilepsy with febrile seizures plus, type 9. Last evaluated: 2026-01-28. Review status: criteria provided, single submitter. Criteria: Invitae Variant Classification Sherloc (09022015). Collection method: clinical testing. Allele origin: germline.

Athena Diagnostics
Classification: Benign. Last evaluated: 2018-08-08. Review status: criteria provided, single submitter. Criteria: Athena Diagnostics Criteria. Collection method: clinical testing. Allele origin: germline.

PreventionGenetics, part of Exact Sciences
Classification: Likely benign for STX1B-related condition. Last evaluated: 2021-04-02. Review status: no assertion criteria provided. Collection method: clinical testing. Allele origin: germline. Not counted in ClinVar's aggregate classification.
Comment: This variant is classified as likely benign based on ACMG/AMP sequence variant interpretation guidelines (Richards et al. 2015 PMID: 25741868, with internal and published modifications).

NM_052874.5(STX1B):c.786+7G>A

Gene: STX1B (syntaxin 1B; minus strand). Cytogenetic location: 16p11.2.
Variant type: single nucleotide variant.
Coding change: c.786+7G>A on transcript NM_052874.5 (MANE Select); 7 bases into the intron after coding-DNA position 786, G replaced by A.
Molecular consequence: intron variant.
Genome position (GRCh38, 1-based): chr16:30,993,123, C>T on the plus strand (G>A on the coding strand, the complement: STX1B is on the minus strand). VCF-style: chr16-30993123-C-T. GRCh37 (hg19) VCF-style: chr16-31004444-C-T.
Identifiers: ClinVar variation 586686 (VCV000586686.15), dbSNP rs201785193, ClinGen allele CA8018272.